The following is an entry in ClinVar:

ClinVar aggregate classification (germline): Uncertain significance (1 of 4 stars; one submission).

Conditions:
Hereditary cancer-predisposing syndrome. Also called: Neoplastic Syndromes, Hereditary; Tumor predisposition; Hereditary neoplastic syndrome; Hereditary Cancer Syndrome. Identifiers: Orphanet 140162, MedGen C0027672, MeSH D009386, MONDO:0015356.

Submission:

Ambry Genetics
Classification: Uncertain significance for Hereditary cancer-predisposing syndrome. Last evaluated: 2026-07-06. Review status: criteria provided, single submitter. Criteria: Ambry Variant Classification Scheme 2023. Collection method: clinical testing. Allele origin: germline.
Comment: The p.K287T variant (also known as c.860A>C), located in coding exon 7 of the NBN gene, results from an A to C substitution at nucleotide position 860. The lysine at codon 287 is replaced by threonine, an amino acid with similar properties. This amino acid position is conserved. In addition, this alteration is predicted to be tolerated by in silico analysis. Based on the available evidence, the clinical significance of this variant remains unclear.

NM_002485.5(NBN):c.860A>C (p.Lys287Thr)

Gene: NBN (nibrin; minus strand). Cytogenetic location: 8q21.3.
Variant type: single nucleotide variant.
Coding change: c.860A>C on transcript NM_002485.5 (MANE Select); coding-DNA position 860, A replaced by C.
Protein change: p.Lys287Thr; replaces lysine 287 with threonine.
Molecular consequence: missense variant.
Genome position (GRCh38, 1-based): chr8:89,970,400, T>G on the plus strand (A>C on the coding strand, the complement: NBN is on the minus strand). VCF-style: chr8-89970400-T-G. GRCh37 (hg19) VCF-style: chr8-90982628-T-G.
Other names: c.614A>C, p.Lys205Thr (NM_001024688.3, NM_001440379.1, NM_001440380.1); short protein forms K205T, K287T.
Identifiers: ClinVar variation 5025404 (VCV005025404.1).